The following is an entry in ClinVar:

NM_152296.5(ATP1A3):c.333C>T (p.Thr111=)

Gene: ATP1A3 (ATPase Na+/K+ transporting subunit alpha 3; minus strand). Cytogenetic location: 19q13.2.
Variant type: single nucleotide variant.
Coding change: c.333C>T on transcript NM_152296.5 (MANE Select); coding-DNA position 333, C replaced by T.
Protein change: p.Thr111=; no amino-acid change (threonine 111 retained).
Molecular consequence: synonymous variant.
Genome position (GRCh38, 1-based): chr19:41,987,960, G>A on the plus strand (C>T on the coding strand, the complement: ATP1A3 is on the minus strand). VCF-style: chr19-41987960-G-A. GRCh37 (hg19) VCF-style: chr19-42492112-G-A.
Other names: c.366C>T, p.Thr122= (NM_001256213.2); c.372C>T, p.Thr124= (NM_001256214.2); c.372C>T (NM_001256214.1).
Identifiers: ClinVar variation 536475 (VCV000536475.11), dbSNP rs782779392, ClinGen allele CA9467903.

ClinVar aggregate classification (germline): Likely benign. Review status: criteria provided, multiple submitters, no conflicts (2 of 4 stars). 2 submissions from 2 submitters: Likely benign (2). Last evaluated 2026-07-07.

Conditions:
ATP1A3-related disorder. Also called: ATP1A3-related condition; ATP1A3-related disorders. Identifiers: MedGen CN381097.
Dystonia 12 (DYT12). Also called: DYT-ATP1A3; Rapid-Onset Dystonia-Parkinsonism (RDP). Identifiers: Orphanet 71517, MedGen C1868681, MONDO:0007496, OMIM 128235.

Allele frequency attached by ClinVar (database versions not stated): TOPMed below 0.00001; ExAC 0.00001; gnomAD 0.00001; gnomAD exomes 0.00001.
gnomAD v4.1: 19 of 1,613,858 alleles (0.0012%); highest among the groups gnomAD compares: South Asian, 0.0088%; no homozygotes.

Submissions (2):

PreventionGenetics, part of Exact Sciences
Classification: Likely benign for ATP1A3-related condition. Last evaluated: 2026-07-07. Review status: criteria provided, single submitter. Criteria: ACMG Guidelines, 2015. Collection method: clinical testing. Allele origin: germline.
Comment: This variant is classified as likely benign based on ACMG/AMP sequence variant interpretation guidelines (Richards et al. 2015 PMID: 25741868, with internal and published modifications).

Labcorp Genetics (formerly Invitae), Labcorp
Classification: Likely benign for Dystonia 12. Last evaluated: 2026-02-03. Review status: criteria provided, single submitter. Criteria: Invitae Variant Classification Sherloc (09022015). Collection method: clinical testing. Allele origin: germline.